The following is an entry in ClinVar:

NM_000038.6(APC):c.2637G>C (p.Gln879His)

Gene: APC (APC regulator of Wnt signaling pathway; plus strand). Cytogenetic location: 5q22.2.
Variant type: single nucleotide variant.
Coding change: c.2637G>C on transcript NM_000038.6 (MANE Select); coding-DNA position 2637, G replaced by C.
Protein change: p.Gln879His; replaces glutamine 879 with histidine.
Molecular consequence: missense variant.
Genome position (GRCh38, 1-based): chr5:112,838,231, G>C. VCF-style: chr5-112838231-G-C. GRCh37 (hg19) VCF-style: chr5-112173928-G-C.
Other names: c.2637G>C, p.Gln879His (NM_001127510.3, NM_001354895.2); c.2583G>C, p.Gln861His (NM_001127511.3); c.2691G>C, p.Gln897His (NM_001354896.2); c.2667G>C, p.Gln889His (NM_001354897.2); c.2562G>C, p.Gln854His (NM_001354898.2); c.2553G>C, p.Gln851His (NM_001354899.2); c.2514G>C, p.Gln838His (NM_001354900.2); c.2460G>C, p.Gln820His (NM_001354901.2); and 5 more; short protein forms Q753H, Q788H, Q854H, Q897H, Q596H, Q778H, Q879H, Q719H.
Identifiers: ClinVar variation 1355341 (VCV001355341.10), dbSNP rs763546422, ClinGen allele CA16027098.

ClinVar aggregate classification (germline): Uncertain significance. Review status: criteria provided, multiple submitters, no conflicts (2 of 4 stars). 2 submissions from 2 submitters: Uncertain significance (2). Last evaluated 2025-01-28.

Conditions:
Hereditary cancer-predisposing syndrome. Also called: Neoplastic Syndromes, Hereditary; Tumor predisposition; Hereditary neoplastic syndrome; Hereditary Cancer Syndrome. Identifiers: Orphanet 140162, MedGen C0027672, MeSH D009386, MONDO:0015356.
Familial adenomatous polyposis 1 (FAP1). Also called: FAMILIAL ADENOMATOUS POLYPOSIS 1, ATTENUATED; POLYPOSIS, ADENOMATOUS INTESTINAL. Identifiers: MedGen C2713442, MONDO:0021056, OMIM 175100. Disease mechanism: loss of function.

Submissions (2):

Ambry Genetics
Classification: Uncertain significance for Hereditary cancer-predisposing syndrome. Last evaluated: 2025-01-28. Review status: criteria provided, single submitter. Criteria: Ambry Variant Classification Scheme 2023. Collection method: clinical testing. Allele origin: germline.
Comment: The p.Q879H variant (also known as c.2637G>C), located in coding exon 15 of the APC gene, results from a G to C substitution at nucleotide position 2637. The glutamine at codon 879 is replaced by histidine, an amino acid with highly similar properties. This amino acid position is well conserved in available vertebrate species. In addition, in silico predictors for this gene do not accurately predict pathogenicity. Missense alterations in APC are not a common cause of disease (Spier I et al. Genet Med. 2024 Feb;26(2):100992). Based on the available evidence, the clinical significance of this variant remains unclear.

Labcorp Genetics (formerly Invitae), Labcorp
Classification: Uncertain significance for Familial adenomatous polyposis 1. Last evaluated: 2024-08-03. Review status: criteria provided, single submitter. Criteria: Invitae Variant Classification Sherloc (09022015). Collection method: clinical testing. Allele origin: germline.
Comment: This sequence change replaces glutamine, which is neutral and polar, with histidine, which is basic and polar, at codon 879 of the APC protein (p.Gln879His). This variant is present in population databases (no rsID available, gnomAD 0.0009%). This variant has not been reported in the literature in individuals affected with APC-related conditions. ClinVar contains an entry for this variant (Variation ID: 1355341). Advanced modeling of protein sequence and biophysical properties (such as structural, functional, and spatial information, amino acid conservation, physicochemical variation, residue mobility, and thermodynamic stability) performed at Invitae indicates that this missense variant is not expected to disrupt APC protein function with a negative predictive value of 95%. In summary, the available evidence is currently insufficient to determine the role of this variant in disease. Therefore, it has been classified as a Variant of Uncertain Significance.